The following is an entry in ClinVar:

ClinVar aggregate classification (germline): Uncertain significance. Review status: criteria provided, multiple submitters, no conflicts (2 of 4 stars). 2 submissions from 2 submitters: Uncertain significance (2). Last evaluated 2023-10-22.

Conditions:
Juvenile polyposis syndrome (JPS). Identifiers: Orphanet 2929, MedGen C0345893, MONDO:0017380, OMIM 174900.
Familial thoracic aortic aneurysm and aortic dissection (TAAD). Also called: Thoracic aortic aneurysms and dissections. Identifiers: Orphanet 91387, MedGen C4707243, MONDO:0019625.
Hereditary cancer-predisposing syndrome. Also called: Hereditary neoplastic syndrome; Neoplastic Syndromes, Hereditary; Hereditary Cancer Syndrome; Tumor predisposition. Identifiers: Orphanet 140162, MedGen C0027672, MeSH D009386, MONDO:0015356.

Submissions (2):

Labcorp Genetics (formerly Invitae), Labcorp
Classification: Uncertain significance for Juvenile polyposis syndrome. Last evaluated: 2023-10-22. Review status: criteria provided, single submitter. Criteria: Invitae Variant Classification Sherloc (09022015). Collection method: clinical testing. Allele origin: germline.
Comment: This sequence change replaces proline, which is neutral and non-polar, with leucine, which is neutral and non-polar, at codon 550 of the SMAD4 protein (p.Pro550Leu). This variant is not present in population databases (gnomAD no frequency). This variant has not been reported in the literature in individuals affected with SMAD4-related conditions. Advanced modeling of protein sequence and biophysical properties (such as structural, functional, and spatial information, amino acid conservation, physicochemical variation, residue mobility, and thermodynamic stability) performed at Invitae indicates that this missense variant is not expected to disrupt SMAD4 protein function. In summary, the available evidence is currently insufficient to determine the role of this variant in disease. Therefore, it has been classified as a Variant of Uncertain Significance.

Ambry Genetics
Classification: Uncertain significance for Hereditary cancer-predisposing syndrome; Familial thoracic aortic aneurysm and aortic dissection. Last evaluated: 2023-10-08. Review status: criteria provided, single submitter. Criteria: Ambry Variant Classification Scheme 2023. Collection method: clinical testing. Allele origin: germline.
Comment: The p.P550L variant (also known as c.1649C>T), located in coding exon 11 of the SMAD4 gene, results from a C to T substitution at nucleotide position 1649. The proline at codon 550 is replaced by leucine, an amino acid with similar properties. This amino acid position is conserved. In addition, this alteration is predicted to be deleterious by in silico analysis. Since supporting evidence is limited at this time, the clinical significance of this alteration remains unclear.

NM_005359.6(SMAD4):c.1649C>T (p.Pro550Leu)

Gene: SMAD4 (SMAD family member 4; plus strand). Cytogenetic location: 18q21.2.
Variant type: single nucleotide variant.
Coding change: c.1649C>T on transcript NM_005359.6 (MANE Select); coding-DNA position 1649, C replaced by T.
Protein change: p.Pro550Leu; replaces proline 550 with leucine.
Molecular consequence: missense variant. On other transcripts: non-coding transcript variant (1).
Genome position (GRCh38, 1-based): chr18:51,078,457, C>T. VCF-style: chr18-51078457-C-T. GRCh37 (hg19) VCF-style: chr18-48604827-C-T.
Other names: c.1649C>T, p.Pro550Leu (NM_001407041.1, NM_001407042.1); short protein forms P550L.
Identifiers: ClinVar variation 2724882 (VCV002724882.4), dbSNP rs2511391505, ClinGen allele CA402466229.